The following is an entry in ClinVar:

NM_000138.5(FBN1):c.4583-10T>C

Gene: FBN1 (fibrillin 1; minus strand). Cytogenetic location: 15q21.1.
Variant type: single nucleotide variant.
Coding change: c.4583-10T>C on transcript NM_000138.5 (MANE Select); 10 bases into the intron before coding-DNA position 4583, T replaced by C.
Molecular consequence: intron variant.
Genome position (GRCh38, 1-based): chr15:48,468,112, A>G on the plus strand (T>C on the coding strand, the complement: FBN1 is on the minus strand). VCF-style: chr15-48468112-A-G. GRCh37 (hg19) VCF-style: chr15-48760309-A-G.
Other names: c.4583-10T>C (NM_001406716.1).
Identifiers: ClinVar variation 3386792 (VCV003386792.1).
Genomic context (GRCh38, chr15:48,468,112, plus strand): 5'-CATTGTCTCCTCGAGGTCGAATATCCAAATAGCAATTTCCAGAGCGGGTATCTATTTACC[A>G]TATACAAACACAAAAGCATCAGGCAGAATCTTTCTACTGGGGTTGAAAATTCAAACCCAC-3'

ClinVar aggregate classification (germline): Likely benign (1 of 4 stars; one submission).

Conditions:
Marfan syndrome (MFS). Also called: MARFAN SYNDROME, TYPE I; Marfan syndrome type 1; Marfan's syndrome; FBN1-Related Marfan Syndrome; Marfan syndrome, classic. Identifiers: Orphanet 284963, Orphanet 558, MedGen C0024796, MONDO:0007947, OMIM 154700.

gnomAD v4.1: 1 of 1,613,862 alleles (0.000062%); highest among the groups gnomAD compares: Non-Finnish European, 0.000085%; no homozygotes.

Submission:

All of Us Research Program, National Institutes of Health
Classification: Likely benign for Marfan syndrome. Last evaluated: 2024-07-10. Review status: criteria provided, single submitter. Criteria: ACMG Guidelines, 2015. Collection method: clinical testing. Allele origin: germline. Inheritance: Autosomal dominant inheritance. Observed: 1 variant allele, 1 heterozygote.
Comment: This study involves interpretation of variants in research participants for the purpose of population health screening. Participant phenotype was not available at the time of variant classification. Additional details can be found in publication PMID: 35346344, PMCID: PMC8962531